The following is an entry in ClinVar:

ClinVar aggregate classification (germline): Pathogenic (1 of 4 stars; one submission).

Conditions:
Tay-Sachs disease (TSD). Also called: HEXA DEFICIENCY; GM2 gangliosidosis, type 1; Hexosaminidase alpha-subunit deficiency (variant B); Sphingolipidosis, Tay-Sachs; Hexosaminidase A Deficiency; HEXA Disorders. Identifiers: Orphanet 845, MedGen C0039373, MONDO:0010100, OMIM 272800.

Submission:

Myriad Genetics, Inc.
Classification: Pathogenic for Tay-Sachs disease. Last evaluated: 2025-08-13. Review status: criteria provided, single submitter. Criteria: Myriad Autosomal Dominant, Autosomal Recessive and X-Linked Classification Criteria (2023). Collection method: clinical testing. Allele origin: unknown.
Comment: NM_000520.4(HEXA):c.639T>G(Y213*) is expected to be pathogenic in the context of hexosaminidase A deficiency. This variant is predicted to lead to an abnormal or absent protein product due to the creation of a premature termination codon in HEXA, a gene where loss-of-function variants are known to be pathogenic. Please note: this variant was assessed in the context of healthy population screening.

NM_000520.6(HEXA):c.639T>G (p.Tyr213Ter)

Gene: HEXA (hexosaminidase subunit alpha; minus strand). Cytogenetic location: 15q23.
Variant type: single nucleotide variant.
Coding change: c.639T>G on transcript NM_000520.6 (MANE Select); coding-DNA position 639, T replaced by G.
Protein change: p.Tyr213Ter; replaces tyrosine 213 with a stop codon.
Molecular consequence: nonsense. On other transcripts: non-coding transcript variant (1).
Genome position (GRCh38, 1-based): chr15:72,351,166, A>C on the plus strand (T>G on the coding strand, the complement: HEXA is on the minus strand). VCF-style: chr15-72351166-A-C. GRCh37 (hg19) VCF-style: chr15-72643507-A-C.
Other names: c.672T>G, p.Tyr224Ter (NM_001318825.2); short protein forms Y213*, Y224*.
Identifiers: ClinVar variation 5014865 (VCV005014865.1).